The following is an entry in ClinVar:

NM_022168.4(IFIH1):c.1259C>T (p.Ser420Phe)

Gene: IFIH1 (interferon induced with helicase C domain 1; minus strand). Cytogenetic location: 2q24.2.
Variant type: single nucleotide variant.
Coding change: c.1259C>T on transcript NM_022168.4 (MANE Select); coding-DNA position 1259, C replaced by T.
Protein change: p.Ser420Phe; replaces serine 420 with phenylalanine.
Molecular consequence: missense variant.
Genome position (GRCh38, 1-based): chr2:162,282,413, G>A on the plus strand (C>T on the coding strand, the complement: IFIH1 is on the minus strand). VCF-style: chr2-162282413-G-A. GRCh37 (hg19) VCF-style: chr2-163138923-G-A.
Other names: short protein forms S420F.
Identifiers: ClinVar variation 952085 (VCV000952085.9), dbSNP rs754807936, ClinGen allele CA1934581.

ClinVar aggregate classification (germline): Uncertain significance (1 of 4 stars; one submission).

Conditions:
Aicardi-Goutieres syndrome 7 (AGS7). Identifiers: Orphanet 51, MedGen C3888244, MONDO:0014367, OMIM 615846.
Singleton-Merten syndrome 1 (SGMRT1). Also called: Widened medullary cavities of bone, aortic calcification, abnormal dentition, and muscular weakness; Syndrome of widened medullary cavities of the metacarpals and phalanges, aortic calcification and abnormal dentition. Identifiers: Orphanet 85191, MedGen C4225427, MONDO:0024535, OMIM 182250.

Allele frequency attached by ClinVar (database versions not stated): gnomAD 0.00001; TOPMed 0.00002; gnomAD exomes 0.00004; ExAC 0.00005.
gnomAD v4.1: 61 of 1,611,398 alleles (0.0038%); highest among the groups gnomAD compares: Non-Finnish European, 0.0048%; no homozygotes.

Submission:

Labcorp Genetics (formerly Invitae), Labcorp
Classification: Uncertain significance for Aicardi-Goutieres syndrome 7; Singleton-Merten syndrome 1. Last evaluated: 2025-04-17. Review status: criteria provided, single submitter. Criteria: Invitae Variant Classification Sherloc (09022015). Collection method: clinical testing. Allele origin: germline.
Comment: This sequence change replaces serine, which is neutral and polar, with phenylalanine, which is neutral and non-polar, at codon 420 of the IFIH1 protein (p.Ser420Phe). This variant is present in population databases (rs754807936, gnomAD 0.006%). This variant has not been reported in the literature in individuals affected with IFIH1-related conditions. ClinVar contains an entry for this variant (Variation ID: 952085). Invitae Evidence Modeling of protein sequence and biophysical properties (such as structural, functional, and spatial information, amino acid conservation, physicochemical variation, residue mobility, and thermodynamic stability) has been performed for this missense variant. However, the output from this modeling did not meet the statistical confidence thresholds required to predict the impact of this variant on IFIH1 protein function. In summary, the available evidence is currently insufficient to determine the role of this variant in disease. Therefore, it has been classified as a Variant of Uncertain Significance.